The following is an entry in ClinVar:

NM_003924.4(PHOX2B):c.792T>A (p.Ala264=)

Gene: PHOX2B (paired like homeobox 2B; minus strand). Cytogenetic location: 4p13.
Variant type: single nucleotide variant.
Coding change: c.792T>A on transcript NM_003924.4 (MANE Select); coding-DNA position 792, T replaced by A.
Protein change: p.Ala264=; no amino-acid change (alanine 264 retained).
Molecular consequence: synonymous variant.
Genome position (GRCh38, 1-based): chr4:41,745,960, A>T on the plus strand (T>A on the coding strand, the complement: PHOX2B is on the minus strand). VCF-style: chr4-41745960-A-T. GRCh37 (hg19) VCF-style: chr4-41747977-A-T.
Identifiers: ClinVar variation 4085705 (VCV004085705.8).

ClinVar aggregate classification (germline): Likely benign (1 of 4 stars; one submission).

Submission:

CeGaT Center for Human Genetics Tuebingen
Classification: Likely benign. Last evaluated: 2025-08-01. Review status: criteria provided, single submitter. Criteria: CeGaT Center For Human Genetics Tuebingen Variant Classification Criteria Version 2. Collection method: clinical testing. Allele origin: germline. Affected: yes. Observed: 1 variant allele.
Comment: PHOX2B: PM2:Supporting, BP4, BP7